The following is an entry in ClinVar:

ClinVar aggregate classification (germline): Uncertain significance (1 of 4 stars; one submission).

Conditions:
Immunodeficiency, common variable, 2 (CVID2). Also called: HYPOGAMMAGLOBULINEMIA DUE TO TACI DEFICIENCY; ANTIBODY DEFICIENCY DUE TO TACI DEFECT. Identifiers: Orphanet 1572, MedGen C3150354, MONDO:0009413, OMIM 240500.

Submission:

Labcorp Genetics (formerly Invitae), Labcorp
Classification: Uncertain significance for Immunodeficiency, common variable, 2. Last evaluated: 2022-06-19. Review status: criteria provided, single submitter. Criteria: Invitae Variant Classification Sherloc (09022015). Collection method: clinical testing. Allele origin: germline.
Comment: This sequence change replaces alanine, which is neutral and non-polar, with threonine, which is neutral and polar, at codon 286 of the TNFRSF13B protein (p.Ala286Thr). This variant is not present in population databases (gnomAD no frequency). This variant has not been reported in the literature in individuals affected with TNFRSF13B-related conditions. Algorithms developed to predict the effect of missense changes on protein structure and function output the following: SIFT: "Tolerated"; PolyPhen-2: "Benign"; Align-GVGD: "Class C0". The threonine amino acid residue is found in multiple mammalian species, which suggests that this missense change does not adversely affect protein function. In summary, the available evidence is currently insufficient to determine the role of this variant in disease. Therefore, it has been classified as a Variant of Uncertain Significance.

NM_012452.3(TNFRSF13B):c.856G>A (p.Ala286Thr)

Gene: TNFRSF13B (TNF receptor superfamily member 13B; minus strand). Cytogenetic location: 17p11.2.
Variant type: single nucleotide variant.
Coding change: c.856G>A on transcript NM_012452.3 (MANE Select); coding-DNA position 856, G replaced by A.
Protein change: p.Ala286Thr; replaces alanine 286 with threonine.
Molecular consequence: missense variant.
Genome position (GRCh38, 1-based): chr17:16,939,573, C>T on the plus strand (G>A on the coding strand, the complement: TNFRSF13B is on the minus strand). VCF-style: chr17-16939573-C-T. GRCh37 (hg19) VCF-style: chr17-16842887-C-T.
Other names: short protein forms A286T.
Identifiers: ClinVar variation 2130593 (VCV002130593.4), dbSNP rs2508178095, ClinGen allele CA398518880.
Genomic context (GRCh38, chr17:16,939,573, plus strand): 5'-TCTCTCCCTCCTCCTTTCCCTCCCTGACCCCCATTTATGCACCTGGGCCCCCCTCCTGGG[C>T]AGGCACACACACAATGCCAAGGCCACTGTCTGGGATGTGTGGGCAAGGCTGCAGGACTGT-3'
Protein context (NP_036584.1, residues 276-293): DSGLGIVCVP[Ala286Thr]QEGGPGA